The following is an entry in ClinVar:

NM_000512.5(GALNS):c.658C>T (p.Gln220Ter)

Gene: GALNS (galactosamine (N-acetyl)-6-sulfatase; minus strand). Cytogenetic location: 16q24.3.
Variant type: single nucleotide variant.
Coding change: c.658C>T on transcript NM_000512.5 (MANE Select); coding-DNA position 658, C replaced by T.
Protein change: p.Gln220Ter; replaces glutamine 220 with a stop codon.
Molecular consequence: nonsense.
Genome position (GRCh38, 1-based): chr16:88,835,825, G>A on the plus strand (C>T on the coding strand, the complement: GALNS is on the minus strand). VCF-style: chr16-88835825-G-A. GRCh37 (hg19) VCF-style: chr16-88902233-G-A.
Other names: c.103C>T, p.Gln35Ter (NM_001323543.2); c.676C>T, p.Gln226Ter (NM_001323544.2); short protein forms Q220*, Q226*, Q35*.
Identifiers: ClinVar variation 1048471 (VCV001048471.3), dbSNP rs1456807949, ClinGen allele CA397080653.
Genomic context (GRCh38, chr16:88,835,825, plus strand): 5'-AGACGGGTGCGTGCGTGGCGTCGACAGCCCAGTAGAGGAAAAAGGGGTGGTGCCGTGCCT[G>A]TCTCTTAATGAAGTCCAGGGCTTCCTATGGAGAGAGCCACACCGTCGTCCTCCAGCCTCA-3'

ClinVar aggregate classification (germline): Likely pathogenic (1 of 4 stars; one submission).

Conditions:
Mucopolysaccharidosis, MPS-IV-A (MPS4A). Also called: Mucopolysaccharidosis type IV A; Mucopolysaccharidosis Type IVA; Morquio syndrome A, mild; MORQUIO SYNDROME A; MPS IVA; mucopolysaccharidosis type 4A. Identifiers: Orphanet 309297, Orphanet 582, MedGen C0086651, MONDO:0009659, OMIM 253000.

Allele frequency attached by ClinVar (database versions not stated): TOPMed below 0.00001.

Submission:

Laboratory of Diagnosis and Therapy of Lysosomal Disorders, University of Padova
Classification: Likely pathogenic for Mucopolysaccharidosis, MPS-IV-A. Last evaluated: 2021-02-01. Review status: criteria provided, single submitter. Criteria: ACMG Guidelines, 2015. Collection method: curation. Allele origin: germline. Affected: yes.
Comment: Nonsense variant (PVS1_very strong); absent fromgnomAD v2.1.1 (PM2_moderate)

Literature cited by the submitters: PubMed 27825773; PubMed 34387910.